The following is an entry in ClinVar:

ClinVar aggregate classification (germline): Uncertain significance (1 of 4 stars; one submission).

Allele frequency attached by ClinVar (database versions not stated): TOPMed below 0.00001; gnomAD exomes 0.00001.
gnomAD v4.1: 1 of 1,614,118 alleles (0.000062%); highest among the groups gnomAD compares: Admixed American, 0.0017%; no homozygotes.

Submission:

Labcorp Genetics (formerly Invitae), Labcorp
Classification: Uncertain significance. Last evaluated: 2024-10-15. Review status: criteria provided, single submitter. Criteria: Invitae Variant Classification Sherloc (09022015). Collection method: clinical testing. Allele origin: germline.
Comment: This sequence change replaces arginine, which is basic and polar, with threonine, which is neutral and polar, at codon 851 of the MTTP protein (p.Arg851Thr). This variant is present in population databases (no rsID available, gnomAD 0.006%). This variant has not been reported in the literature in individuals affected with MTTP-related conditions. ClinVar contains an entry for this variant (Variation ID: 1478492). Invitae Evidence Modeling of protein sequence and biophysical properties (such as structural, functional, and spatial information, amino acid conservation, physicochemical variation, residue mobility, and thermodynamic stability) indicates that this missense variant is not expected to disrupt MTTP protein function with a negative predictive value of 80%. In summary, the available evidence is currently insufficient to determine the role of this variant in disease. Therefore, it has been classified as a Variant of Uncertain Significance.

NM_001386140.1(MTTP):c.2552G>C (p.Arg851Thr)

Gene: MTTP (microsomal triglyceride transfer protein; plus strand). Cytogenetic location: 4q23.
Variant type: single nucleotide variant.
Coding change: c.2552G>C on transcript NM_001386140.1 (MANE Select); coding-DNA position 2552, G replaced by C.
Protein change: p.Arg851Thr; replaces arginine 851 with threonine.
Molecular consequence: missense variant.
Genome position (GRCh38, 1-based): chr4:99,622,715, G>C. VCF-style: chr4-99622715-G-C. GRCh37 (hg19) VCF-style: chr4-100543872-G-C.
Other names: c.2552G>C, p.Arg851Thr (NM_000253.4); c.2303G>C, p.Arg768Thr (NM_001300785.2); short protein forms R768T, R851T.
Identifiers: ClinVar variation 1478492 (VCV001478492.5), dbSNP rs1218922051, ClinGen allele CA357520255.
Genomic context (GRCh38, chr4:99,622,715, plus strand): 5'-TATTGTTGCTGTTGTTGTACAGGCAATTTGAGAAAAAGTACGAAAGGCTGTCCACAGGCA[G>C]AGGTTATGTCTCTCAGAAAAGAAAAGAAAGCGTATTAGCAGGATGTGAATTCCCGCTCCA-3'
Protein context (NP_001373069.1, residues 841-861): EKKYERLSTG[Arg851Thr]GYVSQKRKES